The following is an entry in ClinVar:

NM_001377540.1(SLMAP):c.1028A>G (p.Gln343Arg)

Gene: SLMAP (sarcolemma associated protein; plus strand). Cytogenetic location: 3p14.3.
Variant type: single nucleotide variant.
Coding change: c.1028A>G on transcript NM_001377540.1 (MANE Select); coding-DNA position 1028, A replaced by G.
Protein change: p.Gln343Arg; replaces glutamine 343 with arginine.
Molecular consequence: missense variant. On other transcripts: non-coding transcript variant (1).
Genome position (GRCh38, 1-based): chr3:57,864,609, A>G. VCF-style: chr3-57864609-A-G. GRCh37 (hg19) VCF-style: chr3-57850336-A-G.
Other names: c.1028A>G, p.Gln343Arg (NM_001304420.3, NM_001304421.2, NM_001377538.1 and 17 more transcripts); short protein forms Q343R.
Identifiers: ClinVar variation 3225991 (VCV003225991.1), dbSNP rs2473549394, ClinGen allele CA353409283.

ClinVar aggregate classification (germline): Uncertain significance (1 of 4 stars; one submission).

Submission:

Ambry Genetics
Classification: Uncertain significance. Last evaluated: 2024-02-03. Review status: criteria provided, single submitter. Criteria: Ambry Variant Classification Scheme 2023. Collection method: clinical testing. Allele origin: germline.
Comment: The p.Q343R variant (also known as c.1028A>G), located in coding exon 10 of the SLMAP gene, results from an A to G substitution at nucleotide position 1028. The glutamine at codon 343 is replaced by arginine, an amino acid with highly similar properties. This amino acid position is conserved. In addition, this alteration is predicted to be tolerated by in silico analysis. Based on the available evidence, the clinical significance of this alteration remains unclear.